The following is an entry in ClinVar:

NM_000443.4(ABCB4):c.2394+1G>A

Gene: ABCB4 (ATP binding cassette subfamily B member 4; minus strand). Cytogenetic location: 7q21.12.
Variant type: single nucleotide variant.
Coding change: c.2394+1G>A on transcript NM_000443.4 (MANE Select); the canonical splice donor site of the intron after coding-DNA position 2394, G replaced by A.
Molecular consequence: splice donor variant.
Genome position (GRCh38, 1-based): chr7:87,419,997, C>T on the plus strand (G>A on the coding strand, the complement: ABCB4 is on the minus strand). VCF-style: chr7-87419997-C-T. GRCh37 (hg19) VCF-style: chr7-87049313-C-T.
Other names: c.2394+1G>A (NM_018850.3, NM_018849.3).
Identifiers: ClinVar variation 2857662 (VCV002857662.3), dbSNP rs1809301019, ClinGen allele CA368062539.
Genomic context (GRCh38, chr7:87,419,997, plus strand): 5'-AGAAGCTTAATATGGAAGAAATGTGAAAGATCAGAAGGCATTCTCCAGCGCACACTCCTA[C>T]CTGTCTTAGCATTGCTTTAAAAGCCATTGACCGCAGTCTTCTGGTGAGGATCTCGCCAGC-3'

ClinVar aggregate classification (germline): Likely pathogenic (1 of 4 stars; one submission).

Allele frequency attached by ClinVar (database versions not stated): gnomAD 0.00001; TOPMed 0.00001.
gnomAD v4.1: 6 of 1,613,784 alleles (0.00037%); highest among the groups gnomAD compares: Non-Finnish European, 0.00051%; no homozygotes.

Submission:

Labcorp Genetics (formerly Invitae), Labcorp
Classification: Likely pathogenic. Last evaluated: 2023-04-20. Review status: criteria provided, single submitter. Criteria: Invitae Variant Classification Sherloc (09022015). Collection method: clinical testing. Allele origin: germline.
Comment: In summary, the currently available evidence indicates that the variant is pathogenic, but additional data are needed to prove that conclusively. Therefore, this variant has been classified as Likely Pathogenic. Algorithms developed to predict the effect of sequence changes on RNA splicing suggest that this variant may disrupt the consensus splice site. This variant has not been reported in the literature in individuals affected with ABCB4-related conditions. This variant is not present in population databases (gnomAD no frequency). This sequence change affects a donor splice site in intron 19 of the ABCB4 gene. It is expected to disrupt RNA splicing. Variants that disrupt the donor or acceptor splice site typically lead to a loss of protein function (PMID: 16199547), and loss-of-function variants in ABCB4 are known to be pathogenic (PMID: 17726488, 25755532).

Literature cited by the submitters: PubMed 16199547; PubMed 17726488; PubMed 25755532.